The following is an entry in ClinVar:

NM_002227.4(JAK1):c.1517G>A (p.Arg506His)

Gene: JAK1 (Janus kinase 1; minus strand). Cytogenetic location: 1p31.3.
Variant type: single nucleotide variant.
Coding change: c.1517G>A on transcript NM_002227.4 (MANE Select); coding-DNA position 1517, G replaced by A.
Protein change: p.Arg506His; replaces arginine 506 with histidine.
Molecular consequence: missense variant.
Genome position (GRCh38, 1-based): chr1:64,855,640, C>T on the plus strand (G>A on the coding strand, the complement: JAK1 is on the minus strand). VCF-style: chr1-64855640-C-T. GRCh37 (hg19) VCF-style: chr1-65321323-C-T.
Other names: c.1517G>A, p.Arg506His (NM_001320923.2, NM_001321852.2, NM_001321853.2 and 3 more transcripts); c.1514G>A, p.Arg505His (NM_001321857.2); short protein forms R506H, R505H.
Identifiers: ClinVar variation 1904536 (VCV001904536.5), dbSNP rs201595595, ClinGen allele CA892908.
Genomic context (GRCh38, chr1:64,855,640, plus strand): 5'-AGGTGGCTCATGAGGTCTCCCAAGCTGGGGAAGCTGCGGTCCGAACCGTGCAGACTGTAG[C>T]GGCCCTTCTGCACCTCGATCTGAAAGTTCTTGAACTGCTTCTGGGCACCCTGCACCTGCT-3'
Protein context (NP_002218.2, residues 496-516): KNFQIEVQKG[Arg506His]YSLHGSDRSF

ClinVar aggregate classification (germline): Uncertain significance (1 of 4 stars; one submission).

Allele frequency attached by ClinVar (database versions not stated): gnomAD 0.00001; gnomAD exomes 0.00001; TOPMed 0.00001; ExAC 0.00002.
gnomAD v4.1: 10 of 1,613,966 alleles (0.00062%); highest among the groups gnomAD compares: East Asian, 0.0045%; no homozygotes.

Submission:

Labcorp Genetics (formerly Invitae), Labcorp
Classification: Uncertain significance. Last evaluated: 2024-03-24. Review status: criteria provided, single submitter. Criteria: Invitae Variant Classification Sherloc (09022015). Collection method: clinical testing. Allele origin: germline.
Comment: This sequence change replaces arginine, which is basic and polar, with histidine, which is basic and polar, at codon 506 of the JAK1 protein (p.Arg506His). This variant is present in population databases (rs201595595, gnomAD 0.006%). This variant has not been reported in the literature in individuals affected with JAK1-related conditions. ClinVar contains an entry for this variant (Variation ID: 1904536). Advanced modeling of protein sequence and biophysical properties (such as structural, functional, and spatial information, amino acid conservation, physicochemical variation, residue mobility, and thermodynamic stability) performed at Invitae indicates that this missense variant is not expected to disrupt JAK1 protein function with a negative predictive value of 80%. In summary, the available evidence is currently insufficient to determine the role of this variant in disease. Therefore, it has been classified as a Variant of Uncertain Significance.